The following is an entry in ClinVar:

ClinVar aggregate classification (germline): Uncertain significance (1 of 4 stars; one submission).

Submission:

Labcorp Genetics (formerly Invitae), Labcorp
Classification: Uncertain significance. Last evaluated: 2022-02-10. Review status: criteria provided, single submitter. Criteria: Invitae Variant Classification Sherloc (09022015). Collection method: clinical testing. Allele origin: germline.
Comment: This sequence change replaces tyrosine, which is neutral and polar, with cysteine, which is neutral and slightly polar, at codon 520 of the CDT1 protein (p.Tyr520Cys). This variant is not present in population databases (gnomAD no frequency). In summary, the available evidence is currently insufficient to determine the role of this variant in disease. Therefore, it has been classified as a Variant of Uncertain Significance. Algorithms developed to predict the effect of missense changes on protein structure and function are either unavailable or do not agree on the potential impact of this missense change (SIFT: "Deleterious"; PolyPhen-2: "Probably Damaging"; Align-GVGD: "Class C0"). This variant has not been reported in the literature in individuals affected with CDT1-related conditions.

NM_030928.4(CDT1):c.1559A>G (p.Tyr520Cys)

Gene: CDT1 (chromatin licensing and DNA replication factor 1; plus strand). Cytogenetic location: 16q24.3.
Variant type: single nucleotide variant.
Coding change: c.1559A>G on transcript NM_030928.4 (MANE Select); coding-DNA position 1559, A replaced by G.
Protein change: p.Tyr520Cys; replaces tyrosine 520 with cysteine.
Molecular consequence: missense variant.
Genome position (GRCh38, 1-based): chr16:88,808,196, A>G. VCF-style: chr16-88808196-A-G. GRCh37 (hg19) VCF-style: chr16-88874604-A-G.
Other names: short protein forms Y520C.
Identifiers: ClinVar variation 1362759 (VCV001362759.8), dbSNP rs2142947516, ClinGen allele CA397083430.